The following is an entry in ClinVar:

NM_001378454.1(ALMS1):c.5737G>A (p.Val1913Ile)

Gene: ALMS1 (ALMS1 centrosome and basal body associated protein; plus strand). Cytogenetic location: 2p13.1.
Variant type: single nucleotide variant.
Coding change: c.5737G>A on transcript NM_001378454.1 (MANE Select); coding-DNA position 5737, G replaced by A.
Protein change: p.Val1913Ile; replaces valine 1913 with isoleucine.
Molecular consequence: missense variant.
Genome position (GRCh38, 1-based): chr2:73,452,264, G>A. VCF-style: chr2-73452264-G-A. GRCh37 (hg19) VCF-style: chr2-73679391-G-A.
Other names: c.5740G>A, p.Val1914Ile (NM_015120.4); short protein forms V1914I, V1913I.
Identifiers: ClinVar variation 4710291 (VCV004710291.1).
Genomic context (GRCh38, chr2:73,452,264, plus strand): 5'-TCTAGTTCCTACTCAAATAGAGAGAAGGCCAGTATTTTTCATCAGCAGGAGTTGCCAGAT[G>A]TTACTGAAGAAGCTTTAAATGTTTTTGTTGTTCCTGGACAAGGTGACCGGAAGACTGAGA-3'
Protein context (NP_001365383.1, residues 1903-1923): SIFHQQELPD[Val1913Ile]TEEALNVFVV

ClinVar aggregate classification (germline): Uncertain significance (1 of 4 stars; one submission).

Conditions:
Alstrom syndrome (ALMS). Identifiers: Orphanet 64, MedGen C0268425, MONDO:0008763, OMIM 203800.

Submission:

Labcorp Genetics (formerly Invitae), Labcorp
Classification: Uncertain significance for Alstrom syndrome. Last evaluated: 2025-11-05. Review status: criteria provided, single submitter. Criteria: Invitae Variant Classification Sherloc (09022015). Collection method: clinical testing. Allele origin: germline.
Comment: This sequence change replaces valine, which is neutral and non-polar, with isoleucine, which is neutral and non-polar, at codon 1914 of the ALMS1 protein (p.Val1914Ile). This variant is not present in population databases (gnomAD no frequency). This variant has not been reported in the literature in individuals affected with ALMS1-related conditions. An algorithm developed to predict the effect of missense changes on protein structure and function outputs the following: PolyPhen-2: "Not Available". The isoleucine amino acid residue is found in multiple mammalian species, which suggests that this missense change does not adversely affect protein function. In summary, the available evidence is currently insufficient to determine the role of this variant in disease. Therefore, it has been classified as a Variant of Uncertain Significance.